The following is an entry in ClinVar:

ClinVar aggregate classification (germline): Uncertain significance (1 of 4 stars; one submission).

Conditions:
Disseminated atypical mycobacterial infection. Identifiers: MedGen C0694566.

Allele frequency attached by ClinVar (database versions not stated): gnomAD exomes below 0.00001 and 0.00003; TOPMed below 0.00001; gnomAD 0.00001.

Submission:

Labcorp Genetics (formerly Invitae), Labcorp
Classification: Uncertain significance for Disseminated atypical mycobacterial infection. Last evaluated: 2021-02-22. Review status: criteria provided, single submitter. Criteria: Invitae Variant Classification Sherloc (09022015). Collection method: clinical testing. Allele origin: germline.
Comment: Algorithms developed to predict the effect of missense changes on protein structure and function output the following: SIFT: "Tolerated"; PolyPhen-2: "Benign"; Align-GVGD: "Class C0". The serine amino acid residue is found in multiple mammalian species, suggesting that this missense change does not adversely affect protein function. These predictions have not been confirmed by published functional studies and their clinical significance is uncertain. This sequence change replaces asparagine with serine at codon 401 of the IFNGR1 protein (p.Asn401Ser). The asparagine residue is moderately conserved and there is a small physicochemical difference between asparagine and serine. This variant is not present in population databases (ExAC no frequency). This variant has not been reported in the literature in individuals with IFNGR1-related conditions. In summary, the available evidence is currently insufficient to determine the role of this variant in disease. Therefore, it has been classified as a Variant of Uncertain Significance.

NM_000416.3(IFNGR1):c.1202A>G (p.Asn401Ser)

Gene: IFNGR1 (interferon gamma receptor 1; minus strand). Cytogenetic location: 6q23.3.
Variant type: single nucleotide variant.
Coding change: c.1202A>G on transcript NM_000416.3 (MANE Select); coding-DNA position 1202, A replaced by G.
Protein change: p.Asn401Ser; replaces asparagine 401 with serine.
Molecular consequence: missense variant.
Genome position (GRCh38, 1-based): chr6:137,198,299, T>C on the plus strand (A>G on the coding strand, the complement: IFNGR1 is on the minus strand). VCF-style: chr6-137198299-T-C. GRCh37 (hg19) VCF-style: chr6-137519436-T-C.
Other names: c.1172A>G, p.Asn391Ser (NM_001363526.1); c.1079A>G, p.Asn360Ser (NM_001363527.1); short protein forms N360S, N391S, N401S.
Identifiers: ClinVar variation 1375003 (VCV001375003.8), dbSNP rs1376456806, ClinGen allele CA365772495.
Genomic context (GRCh38, chr6:137,198,299, plus strand): 5'-GATTCCAGACAGCTGGAATCAGTATCAAAACCATTTCTGGAGTGATCACTCTCAGAACAA[T>C]TTCTGGAGTGATACGAGTTTAAAGCGATGCTGCCAGGTTCAGACTGGTTACTACTTAAAG-3'
Protein context (NP_000407.1, residues 391-411): SIALNSYHSR[Asn401Ser]CSESDHSRNG